The following is an entry in ClinVar:

ClinVar aggregate classification (germline): Uncertain significance (1 of 4 stars; one submission).

Submission:

GeneDx
Classification: Uncertain significance. Last evaluated: 2019-12-15. Review status: criteria provided, single submitter. Criteria: GeneDx Variant Classification Process June 2021. Collection method: clinical testing. Allele origin: germline. Affected: yes.
Comment: Not observed in large population cohorts (Lek et al., 2016); In silico analysis, which includes protein predictors and evolutionary conservation, supports a deleterious effect; Has not been previously published as pathogenic or benign to our knowledge

NM_001791.4(CDC42):c.470G>A (p.Cys157Tyr)

Gene: CDC42 (cell division cycle 42; plus strand). Cytogenetic location: 1p36.12.
Variant type: single nucleotide variant.
Coding change: c.470G>A on transcript NM_001791.4 (MANE Select); coding-DNA position 470, G replaced by A.
Protein change: p.Cys157Tyr; replaces cysteine 157 with tyrosine.
Molecular consequence: missense variant.
Genome position (GRCh38, 1-based): chr1:22,086,850, G>A. VCF-style: chr1-22086850-G-A. GRCh37 (hg19) VCF-style: chr1-22413343-G-A.
Other names: c.470G>A, p.Cys157Tyr (NM_001039802.2, NM_044472.3); short protein forms C157Y.
Identifiers: ClinVar variation 1310445 (VCV001310445.2), dbSNP rs2124039825, ClinGen allele CA338907930.